The following is an entry in ClinVar:

ClinVar aggregate classification (germline): Likely benign. Review status: criteria provided, multiple submitters, no conflicts (2 of 4 stars). 3 submissions from 3 submitters: Likely benign (2). 1 of the submissions does not count toward it. Last evaluated 2026-01-28.

Conditions:
Familial thoracic aortic aneurysm and aortic dissection (TAAD). Also called: Thoracic aortic aneurysms and dissections. Identifiers: Orphanet 91387, MedGen C4707243, MONDO:0019625.
Shprintzen-Goldberg syndrome (SGS). Also called: SHPRINTZEN-GOLDBERG CRANIOSYNOSTOSIS SYNDROME; CRANIOSYNOSTOSIS WITH ARACHNODACTYLY AND ABDOMINAL HERNIAS; Marfanoid disorder with craniosynostosis type 1; Marfanoid craniosynostosis syndrome; Shprintzen-Goldberg marfanoid syndrome. Identifiers: Orphanet 2462, MedGen C1321551, MONDO:0008426, OMIM 182212.
SKI-related disorder. Also called: SKI-related condition.

Allele frequency attached by ClinVar (database versions not stated): TOPMed 0.00001.
gnomAD v4.1: 6 of 1,577,668 alleles (0.00038%); highest among the groups gnomAD compares: Non-Finnish European, 0.00043%; no homozygotes.

Submissions (3):

Labcorp Genetics (formerly Invitae), Labcorp
Classification: Likely benign for Shprintzen-Goldberg syndrome. Last evaluated: 2026-01-28. Review status: criteria provided, single submitter. Criteria: Invitae Variant Classification Sherloc (09022015). Collection method: clinical testing. Allele origin: germline.

Ambry Genetics
Classification: Likely benign for Familial thoracic aortic aneurysm and aortic dissection. Last evaluated: 2023-11-08. Review status: criteria provided, single submitter. Criteria: Ambry Variant Classification Scheme 2023. Collection method: clinical testing. Allele origin: germline.

PreventionGenetics, part of Exact Sciences
Classification: Likely benign for SKI-related condition. Last evaluated: 2021-12-02. Review status: no assertion criteria provided. Collection method: clinical testing. Allele origin: germline. Not counted in ClinVar's aggregate classification.
Comment: This variant is classified as likely benign based on ACMG/AMP sequence variant interpretation guidelines (Richards et al. 2015 PMID: 25741868, with internal and published modifications).

NM_003036.4(SKI):c.1665C>T (p.Thr555=)

Gene: SKI (SKI proto-oncogene; plus strand). Cytogenetic location: 1p36.32.
Variant type: single nucleotide variant.
Coding change: c.1665C>T on transcript NM_003036.4 (MANE Select); coding-DNA position 1665, C replaced by T.
Protein change: p.Thr555=; no amino-acid change (threonine 555 retained).
Molecular consequence: synonymous variant.
Genome position (GRCh38, 1-based): chr1:2,304,483, C>T. VCF-style: chr1-2304483-C-T. GRCh37 (hg19) VCF-style: chr1-2235922-C-T.
Identifiers: ClinVar variation 3059134 (VCV003059134.4), dbSNP rs1440416819, ClinGen allele CA415774988.